The following is an entry in ClinVar:

NM_000501.4(ELN):c.328G>T (p.Ala110Ser)

Gene: ELN (elastin; plus strand). Cytogenetic location: 7q11.23.
Variant type: single nucleotide variant.
Coding change: c.328G>T on transcript NM_000501.4 (MANE Select); coding-DNA position 328, G replaced by T.
Protein change: p.Ala110Ser; replaces alanine 110 with serine.
Molecular consequence: missense variant.
Genome position (GRCh38, 1-based): chr7:74,042,986, G>T. VCF-style: chr7-74042986-G-T. GRCh37 (hg19) VCF-style: chr7-73457316-G-T.
Other names: c.298G>T, p.Ala100Ser (NM_001081752.3, NM_001278914.2, NM_001278917.2 and 1 more transcripts); c.328G>T, p.Ala110Ser (NM_001081753.3, NM_001081754.3, NM_001081755.3 and 4 more transcripts); c.292G>T, p.Ala98Ser (NM_001278913.2); short protein forms A110S, A100S, A98S.
Identifiers: ClinVar variation 450848 (VCV000450848.6), dbSNP rs137953195, ClinGen allele CA4292447.

ClinVar aggregate classification (germline): Uncertain significance. Review status: criteria provided, multiple submitters, no conflicts (2 of 4 stars). 3 submissions from 3 submitters: Uncertain significance (3). Last evaluated 2025-12-08.

Conditions:
Familial thoracic aortic aneurysm and aortic dissection (TAAD). Also called: Thoracic aortic aneurysms and dissections. Identifiers: Orphanet 91387, MedGen C4707243, MONDO:0019625.
Supravalvar aortic stenosis (SVAS). Also called: Supravalvar aortic stenosis, Eisenberg type. Identifiers: Orphanet 3193, MedGen C0003499, MONDO:0008504, OMIM 185500, HP:0004381.

Allele frequency attached by ClinVar (database versions not stated): TOPMed 0.00004.
gnomAD v4.1: 44 of 1,614,012 alleles (0.0027%); highest among the groups gnomAD compares: Non-Finnish European, 0.0036%; no homozygotes.

Submissions (3):

Labcorp Genetics (formerly Invitae), Labcorp
Classification: Uncertain significance for Supravalvar aortic stenosis. Last evaluated: 2025-12-08. Review status: criteria provided, single submitter. Criteria: Invitae Variant Classification Sherloc (09022015). Collection method: clinical testing. Allele origin: germline.
Comment: This sequence change replaces alanine, which is neutral and non-polar, with serine, which is neutral and polar, at codon 110 of the ELN protein (p.Ala110Ser). This variant is present in population databases (rs137953195, gnomAD 0.006%). This variant has not been reported in the literature in individuals affected with ELN-related conditions. ClinVar contains an entry for this variant (Variation ID: 450848). Experimental studies and prediction algorithms are not available or were not evaluated, and the functional significance of this variant is currently unknown. In summary, the available evidence is currently insufficient to determine the role of this variant in disease. Therefore, it has been classified as a Variant of Uncertain Significance.

Centre of Medical Genetics, University of Antwerp
Classification: Uncertain significance for Familial thoracic aortic aneurysm and aortic dissection. Last evaluated: 2024-09-06. Review status: criteria provided, single submitter. Criteria: ACMG Guidelines, 2015. Collection method: clinical testing. Allele origin: germline. Affected: yes.

GeneDx
Classification: Uncertain significance. Last evaluated: 2017-07-25. Review status: criteria provided, single submitter. Criteria: GeneDx Variant Classification (06012015). Collection method: clinical testing. Allele origin: germline. Affected: yes.
Comment: A variant of uncertain significance has been identified in the ELN gene. The A110S variant has not been published as pathogenic or been reported as benign to our knowledge. This variant is observed in 4/66716 (0.006%) alleles from individuals of Non-Finnish European ancestry in large population cohorts (Lek et al., 2016; 1000 Genomes Consortium et al., 2015; Exome Variant Server). The A110S variant is a non-conservative amino acid substitution, which is likely to impact secondary protein structure as these residues differ in polarity, charge, size and/or other properties. Additionally, this substitution occurs at a position where only amino acids with similar properties to alanine (A) are tolerated across species. In silico analysis predicts this variant is probably damaging to the protein structure/function. Nevertheless, this variant has not been observed in a significant number of affected individuals, and it lacks both segregation and functional studies which would further clarify its pathogenicity.